The following is an entry in ClinVar:

ClinVar aggregate classification (germline): Uncertain significance (1 of 4 stars; one submission).

Conditions:
Susceptibility to respiratory infections associated with CD8alpha chain mutation (IMD116). Also called: Cd8 deficiency, familial; IMMUNODEFICIENCY 116. Identifiers: Orphanet 169085, MedGen C1837065, MONDO:0012161, OMIM 608957.

Submission:

Labcorp Genetics (formerly Invitae), Labcorp
Classification: Uncertain significance for Susceptibility to respiratory infections associated with CD8alpha chain mutation. Last evaluated: 2025-02-17. Review status: criteria provided, single submitter. Criteria: Invitae Variant Classification Sherloc (09022015). Collection method: clinical testing. Allele origin: germline.
Comment: This variant, c.177_178delinsAG, is a complex sequence change that results in the deletion of proline and insertion of alanine amino acid(s) in the CD8A protein (p.Pro60Ala). Information on the frequency of this variant in the gnomAD database is not available, as this variant may be reported differently in the database. This variant has not been reported in the literature in individuals affected with CD8A-related conditions. ClinVar contains an entry for this variant (Variation ID: 1017811). Experimental studies and prediction algorithms are not available or were not evaluated, and the functional significance of this variant is currently unknown. In summary, the available evidence is currently insufficient to determine the role of this variant in disease. Therefore, it has been classified as a Variant of Uncertain Significance.

NM_001768.7(CD8A):c.177_178delinsAG (p.Pro60Ala)

Gene: CD8A (CD8 subunit alpha; minus strand). Cytogenetic location: 2p11.2.
Variant type: Indel.
Coding change: c.177_178delinsAG on transcript NM_001768.7 (MANE Select); coding-DNA positions 177 to 178, GC replaced by AG.
Protein change: p.Pro60Ala; replaces proline 60 with alanine.
Molecular consequence: missense variant. On other transcripts: non-coding transcript variant (3).
Genome position (GRCh38, 1-based): chr2:86,790,553-86,790,554, GC replaced by CT on the plus strand (GC replaced by AG on the coding strand, the reverse complement: CD8A is on the minus strand). VCF-style: chr2-86790553-GC-CT. GRCh37 (hg19) VCF-style: chr2-87017676-GC-CT.
Other names: c.177_178delinsAG, p.Pro60Ala (NM_001145873.1, NM_001382698.1, NM_171827.4); short protein forms P60A.
Identifiers: ClinVar variation 1017811 (VCV001017811.9), dbSNP rs1673243221, ClinGen allele CA1267378010.
Genomic context (GRCh38, chr2:86,790,553, plus strand): 5'-CCTTGGGCTTGTTTTGGGAGAGGTATAGGAGGAAGGTGGGACTGGCGGCGGCGCCGCGCG[GC>CT]TGGAAGAGCCACGAGCAGCCCGACGTCGGGTTGGACAGCAGCACCTGGCACTTCAGCTCC-3'
Protein context (NP_001759.3, residues 50-70): PTSGCSWLFQ[Pro60Ala]RGAAASPTFL